The following is an entry in ClinVar:

NM_001291303.3(FAT4):c.1392T>A (p.Phe464Leu)

Gene: FAT4 (FAT atypical cadherin 4; plus strand). Cytogenetic location: 4q28.1.
Variant type: single nucleotide variant.
Coding change: c.1392T>A on transcript NM_001291303.3 (MANE Select); coding-DNA position 1392, T replaced by A.
Protein change: p.Phe464Leu; replaces phenylalanine 464 with leucine.
Molecular consequence: missense variant.
Genome position (GRCh38, 1-based): chr4:125,317,803, T>A. VCF-style: chr4-125317803-T-A. GRCh37 (hg19) VCF-style: chr4-126238958-T-A.
Other names: c.1392T>A, p.Phe464Leu (NM_001291285.3, NM_024582.6); c.1392T>A (NM_024582.5); short protein forms F464L.
Identifiers: ClinVar variation 2119560 (VCV002119560.5), dbSNP rs767391145, ClinGen allele CA3071983.

ClinVar aggregate classification (germline): Uncertain significance. Review status: criteria provided, multiple submitters, no conflicts (2 of 4 stars). 2 submissions from 2 submitters: Uncertain significance (2). Last evaluated 2024-02-03.

Conditions:
Van Maldergem syndrome 2 (VMLDS2). Identifiers: Orphanet 314679, MedGen C3809875, MONDO:0014242, OMIM 615546.
Hennekam lymphangiectasia-lymphedema syndrome 2 (HKLLS2). Identifiers: Orphanet 2136, MedGen C4014939, MONDO:0014454, OMIM 616006.

Allele frequency attached by ClinVar (database versions not stated): gnomAD exomes below 0.00001; ExAC 0.00001.
gnomAD v4.1: 2 of 1,614,194 alleles (0.00012%); highest among the groups gnomAD compares: East Asian, 0.0045%; no homozygotes.

Submissions (2):

Fulgent Genetics
Classification: Uncertain significance for Van Maldergem syndrome 2; Hennekam lymphangiectasia-lymphedema syndrome 2. Last evaluated: 2024-02-03. Review status: criteria provided, single submitter. Criteria: ACMG Guidelines, 2015. Collection method: clinical testing. Allele origin: germline.

Labcorp Genetics (formerly Invitae), Labcorp
Classification: Uncertain significance. Last evaluated: 2022-09-13. Review status: criteria provided, single submitter. Criteria: Invitae Variant Classification Sherloc (09022015). Collection method: clinical testing. Allele origin: germline.
Comment: This sequence change replaces phenylalanine, which is neutral and non-polar, with leucine, which is neutral and non-polar, at codon 464 of the FAT4 protein (p.Phe464Leu). This variant is present in population databases (rs767391145, gnomAD 0.01%). This variant has not been reported in the literature in individuals affected with FAT4-related conditions. Advanced modeling of protein sequence and biophysical properties (such as structural, functional, and spatial information, amino acid conservation, physicochemical variation, residue mobility, and thermodynamic stability) performed at Invitae indicates that this missense variant is expected to disrupt FAT4 protein function. In summary, the available evidence is currently insufficient to determine the role of this variant in disease. Therefore, it has been classified as a Variant of Uncertain Significance.